The following is an entry in ClinVar:

ClinVar aggregate classification (germline): Pathogenic (1 of 4 stars; one submission).

Conditions:
Hereditary nonpolyposis colorectal neoplasms. Identifiers: MedGen C0009405, MeSH D003123.

Submission:

Labcorp Genetics (formerly Invitae), Labcorp
Classification: Pathogenic for Hereditary nonpolyposis colorectal neoplasms. Last evaluated: 2022-01-13. Review status: criteria provided, single submitter. Criteria: Invitae Variant Classification Sherloc (09022015). Collection method: clinical testing. Allele origin: germline.
Comment: This variant is a gross deletion of the genomic region encompassing exon(s) 9-14 of the PMS2 gene. This variant would be expected to be in-frame, preserving the integrity of the reading frame. The frequency data for this variant in the population databases (gnomAD) is considered unreliable due to the presence of homologous sequence, such as pseudogenes or paralogs, in the genome. This variant has not been reported in the literature in individuals affected with PMS2-related conditions. This variant disrupts a region of the PMS2 protein in which other variant(s) (Deletion Exon 10) have been determined to be pathogenic (PMID: 16472587, 18602922, 22577899, 23837913, 26318770). This suggests that this is a clinically significant region of the protein, and that variants that disrupt it are likely to be disease-causing. For these reasons, this variant has been classified as Pathogenic.

Literature cited by the submitters: PubMed 16472587; PubMed 18602922; PubMed 22577899; PubMed 23837913; PubMed 26318770.

NC_000007.14:g.(?_5977578)_(5983001_?)del

Gene: PMS2 (PMS1 homolog 2, mismatch repair system component; minus strand). Cytogenetic location: 7p22.1.
Variant type: Deletion.
Identifiers: ClinVar variation 584341 (VCV000584341.4).